The following is an entry in ClinVar:

NM_000286.3(PEX12):c.*636T>C

Gene: PEX12 (peroxisomal biogenesis factor 12; minus strand). Cytogenetic location: 17q12.
Variant type: single nucleotide variant.
Coding change: c.*636T>C on transcript NM_000286.3 (MANE Select); 636 bases downstream of the stop codon, T replaced by C.
Molecular consequence: 3 prime UTR variant.
Genome position (GRCh38, 1-based): chr17:35,575,146, A>G on the plus strand (T>C on the coding strand, the complement: PEX12 is on the minus strand). VCF-style: chr17-35575146-A-G. GRCh37 (hg19) VCF-style: chr17-33902165-A-G.
Identifiers: ClinVar variation 322639 (VCV000322639.5), dbSNP rs111424374, ClinGen allele CA10649075.

ClinVar aggregate classification (germline): Benign (1 of 4 stars; one submission).

Conditions:
Peroxisome biogenesis disorder 3A (Zellweger). Also called: PEROXISOMAL BIOGENESIS DISORDER 3A (ZELLWEGER); Peroxisome biogenesis disorder 3A. Identifiers: Orphanet 912, MedGen C3553929, MONDO:0013927, OMIM 614859.

Allele frequency attached by ClinVar (database versions not stated): gnomAD 0.01400 and 0.01528; 1000 Genomes Project 30x 0.01452; 1000 Genomes Project 0.01458; TOPMed 0.01577.

Submission:

Illumina Laboratory Services, Illumina
Classification: Benign for Peroxisome biogenesis disorder 3A (Zellweger). Last evaluated: 2018-01-13. Review status: criteria provided, single submitter. Criteria: ICSL Variant Classification Criteria 13 December 2019. Collection method: clinical testing. Allele origin: germline.
Comment: This variant was observed in the ICSL laboratory as part of a predisposition screen in an ostensibly healthy population. It had not been previously curated by ICSL or reported in the Human Gene Mutation Database (HGMD: prior to June 1st, 2018), and was therefore a candidate for classification through an automated scoring system. Utilizing variant allele frequency, disease prevalence and penetrance estimates, and inheritance mode, an automated score was calculated to assess if this variant is too frequent to cause the disease. Based on the score and internal cut-off values, a variant classified as benign is not then subjected to further curation. The score for this variant resulted in a classification of benign for this disease.